The following is an entry in ClinVar:

NM_005559.4(LAMA1):c.3522C>T (p.Ser1174=)

Gene: LAMA1 (laminin subunit alpha 1; minus strand). Cytogenetic location: 18p11.31.
Variant type: single nucleotide variant.
Coding change: c.3522C>T on transcript NM_005559.4 (MANE Select); coding-DNA position 3522, C replaced by T.
Protein change: p.Ser1174=; no amino-acid change (serine 1174 retained).
Molecular consequence: synonymous variant.
Genome position (GRCh38, 1-based): chr18:7,011,465, G>A on the plus strand (C>T on the coding strand, the complement: LAMA1 is on the minus strand). VCF-style: chr18-7011465-G-A. GRCh37 (hg19) VCF-style: chr18-7011464-G-A.
Identifiers: ClinVar variation 788133 (VCV000788133.32), dbSNP rs139418084, ClinGen allele CA8882241.

ClinVar aggregate classification (germline): Benign/Likely benign. Review status: criteria provided, multiple submitters, no conflicts (2 of 4 stars). 2 submissions from 2 submitters: Benign (1); Likely benign (1). Last evaluated 2026-09-01.

Allele frequency attached by ClinVar (database versions not stated): gnomAD 0.00045 and 0.00064; TOPMed 0.00069; ESP Exome Variant Server 0.00085; gnomAD exomes 0.00143; 1000 Genomes Project 30x 0.00156; 1000 Genomes Project 0.00200; ExAC 0.00223.
gnomAD v4.1: 1,124 of 1,604,764 alleles (0.07%); highest among the groups gnomAD compares: South Asian, 0.96%; 14 homozygotes.

Submissions (2):

CeGaT Center for Human Genetics Tuebingen
Classification: Likely benign. Last evaluated: 2026-09-01. Review status: criteria provided, single submitter. Criteria: CeGaT Center For Human Genetics Tuebingen Variant Classification Criteria Version 2. Collection method: clinical testing. Allele origin: germline. Affected: yes. Observed: 3 variant alleles.
Comment: LAMA1: BS2

Labcorp Genetics (formerly Invitae), Labcorp
Classification: Benign. Last evaluated: 2024-10-17. Review status: criteria provided, single submitter. Criteria: Invitae Variant Classification Sherloc (09022015). Collection method: clinical testing. Allele origin: germline.